The following is an entry in ClinVar:

NM_001127644.2(GABRA1):c.563C>A (p.Ala188Asp)

Gene: GABRA1 (gamma-aminobutyric acid type A receptor subunit alpha1; plus strand). Cytogenetic location: 5q34.
Variant type: single nucleotide variant.
Coding change: c.563C>A on transcript NM_001127644.2 (MANE Select); coding-DNA position 563, C replaced by A.
Protein change: p.Ala188Asp; replaces alanine 188 with aspartic acid.
Molecular consequence: missense variant.
Genome position (GRCh38, 1-based): chr5:161,882,561, C>A. VCF-style: chr5-161882561-C-A. GRCh37 (hg19) VCF-style: chr5-161309567-C-A.
Other names: c.563C>A, p.Ala188Asp (NM_000806.5, NM_001127643.2, NM_001127645.2 and 1 more transcripts); short protein forms A188D.
Identifiers: ClinVar variation 2114713 (VCV002114713.4), dbSNP rs2532261654, ClinGen allele CA362179395.
Genomic context (GRCh38, chr5:161,882,561, plus strand): 5'-AAATAAGAGAATTGAAGTGGTAAAATATATGGATCATTTTCTACTGTTTCCTTTTAGATG[C>A]TTATACAAGAGCAGAAGTTGTTTATGAATGGACCAGAGAGCCAGCACGCTCAGTGGTTGT-3'
Protein context (NP_001121116.1, residues 178-198): HACPLKFGSY[Ala188Asp]YTRAEVVYEW

ClinVar aggregate classification (germline): Likely pathogenic (1 of 4 stars; one submission).

Conditions:
Epilepsy, idiopathic generalized, susceptibility to, 13. Also called: EPILEPSY, JUVENILE MYOCLONIC, SUSCEPTIBILITY TO, 5. Identifiers: Orphanet 307, Orphanet 64280, MedGen C4013473, MONDO:0012627, OMIM 611136.
Idiopathic generalized epilepsy. Also called: EIG; Generalised epilepsy. Identifiers: MedGen C0270850, MONDO:0005579, OMIM 600669.
Epilepsy, childhood absence 4 (ECA4). Also called: EPILEPSY, CHILDHOOD ABSENCE, SUSCEPTIBILITY TO, 4. Identifiers: Orphanet 307, MedGen C1970160.

Submission:

Labcorp Genetics (formerly Invitae), Labcorp
Classification: Likely pathogenic for Epilepsy, childhood absence 4; Epilepsy, idiopathic generalized, susceptibility to, 13; Idiopathic generalized epilepsy. Last evaluated: 2022-04-24. Review status: criteria provided, single submitter. Criteria: Invitae Variant Classification Sherloc (09022015). Collection method: clinical testing. Allele origin: germline.
Comment: In summary, the currently available evidence indicates that the variant is pathogenic, but additional data are needed to prove that conclusively. Therefore, this variant has been classified as Likely Pathogenic. Algorithms developed to predict the effect of missense changes on protein structure and function are either unavailable or do not agree on the potential impact of this missense change (SIFT: "Deleterious"; PolyPhen-2: "Probably Damaging"; Align-GVGD: "Class C15"). This missense change has been observed in individual(s) with clinical features of GABRA1-related conditions (Invitae). In at least one individual the variant was observed to be de novo. This variant is not present in population databases (gnomAD no frequency). This sequence change replaces alanine, which is neutral and non-polar, with aspartic acid, which is acidic and polar, at codon 188 of the GABRA1 protein (p.Ala188Asp).